The following is an entry in ClinVar:

ClinVar aggregate classification (germline): Uncertain significance (1 of 4 stars; one submission).

Conditions:
Colorectal cancer, hereditary nonpolyposis, type 7. Identifiers: Orphanet 144, MedGen C1858380, MONDO:0013725, OMIM 614385.

Submission:

Labcorp Genetics (formerly Invitae), Labcorp
Classification: Uncertain significance for Colorectal cancer, hereditary nonpolyposis, type 7. Last evaluated: 2017-01-30. Review status: criteria provided, single submitter. Criteria: Invitae Variant Classification Sherloc (09022015). Collection method: clinical testing. Allele origin: germline.
Comment: This sequence change replaces glutamic acid with glutamine at codon 1036 of the MLH3 protein (p.Glu1036Gln). The glutamic acid residue is moderately conserved and there is a small physicochemical difference between glutamic acid and glutamine. This variant is not present in population databases (ExAC no frequency) and has not been reported in the literature in individuals with an MLH3-related disease. Algorithms developed to predict the effect of missense changes on protein structure and function do not agree on the potential impact of this missense change (SIFT: "Tolerated"; PolyPhen-2: "Possibly Damaging"; Align-GVGD: "Class C0"). In summary, this variant is a novel missense change with uncertain impact on protein function. It has been classified as a Variant of Uncertain Significance.

NM_001040108.2(MLH3):c.3106G>C (p.Glu1036Gln)

Gene: MLH3 (mutL homolog 3; minus strand). Cytogenetic location: 14q24.3.
Variant type: single nucleotide variant.
Coding change: c.3106G>C on transcript NM_001040108.2 (MANE Select); coding-DNA position 3106, G replaced by C.
Protein change: p.Glu1036Gln; replaces glutamic acid 1036 with glutamine.
Molecular consequence: missense variant.
Genome position (GRCh38, 1-based): chr14:75,046,550, C>G on the plus strand (G>C on the coding strand, the complement: MLH3 is on the minus strand). VCF-style: chr14-75046550-C-G. GRCh37 (hg19) VCF-style: chr14-75513253-C-G.
Other names: c.3106G>C, p.Glu1036Gln (NM_014381.3); short protein forms E1036Q.
Identifiers: ClinVar variation 478034 (VCV000478034.8), dbSNP rs1555344886, ClinGen allele CA390436272.
Genomic context (GRCh38, chr14:75,046,550, plus strand): 5'-CCATTCTTCCCAGGGCTACATCGAAATGCCGCTGCCAATCTGAACAACACGTGTTTGACT[C>G]TTCAGTTTCAGAACAAGCTCTTGCTTTAGATTCCTCACTCTGAAAACAAATTCCATTTTG-3'
Protein context (NP_001035197.1, residues 1026-1046): SKARACSETE[Glu1036Gln]SNTCCSDWQR